The following is an entry in ClinVar:

ClinVar aggregate classification (germline): Uncertain significance. Review status: criteria provided, multiple submitters, no conflicts (2 of 4 stars). 2 submissions from 2 submitters: Uncertain significance (2). Last evaluated 2025-11-02.

gnomAD v4.1: 1 of 1,613,844 alleles (0.000062%); highest among the groups gnomAD compares: South Asian, 0.0011%; no homozygotes.

Submissions (2):

Labcorp Genetics (formerly Invitae), Labcorp
Classification: Uncertain significance. Last evaluated: 2025-11-02. Review status: criteria provided, single submitter. Criteria: Invitae Variant Classification Sherloc (09022015). Collection method: clinical testing. Allele origin: germline.
Comment: This sequence change falls in intron 4 of the ACAN gene. It does not directly change the encoded amino acid sequence of the ACAN protein. It affects a nucleotide within the consensus splice site. This variant is present in population databases (rs368372715, gnomAD 0.003%). This variant has not been reported in the literature in individuals affected with ACAN-related conditions. ClinVar contains an entry for this variant (Variation ID: 499903). Variants that disrupt the consensus splice site are a relatively common cause of aberrant splicing (PMID: 17576681, 9536098). Algorithms developed to predict the effect of sequence changes on RNA splicing suggest that this variant may disrupt the consensus splice site. In summary, the available evidence is currently insufficient to determine the role of this variant in disease. Therefore, it has been classified as a Variant of Uncertain Significance.

Eurofins Ntd Llc (ga)
Classification: Uncertain significance. Last evaluated: 2017-01-26. Review status: criteria provided, single submitter. Criteria: EGL Classification Definitions 2015. Collection method: clinical testing. Allele origin: germline. Observed: 1 variant allele, 1 heterozygote.

Literature cited by the submitters: PubMed 17576681 (cited by Labcorp Genetics (formerly Invitae), Labcorp); PubMed 9536098 (cited by Labcorp Genetics (formerly Invitae), Labcorp).

NM_001369268.1(ACAN):c.630-3C>A

Gene: ACAN (aggrecan; plus strand). Cytogenetic location: 15q26.1.
Variant type: single nucleotide variant.
Coding change: c.630-3C>A on transcript NM_001369268.1 (MANE Select); 3 bases into the intron before coding-DNA position 630, C replaced by A.
Molecular consequence: intron variant.
Genome position (GRCh38, 1-based): chr15:88,841,737, C>A. VCF-style: chr15-88841737-C-A. GRCh37 (hg19) VCF-style: chr15-89384968-C-A.
Other names: c.630-3C>A (NM_013227.4, NM_001135.4).
Identifiers: ClinVar variation 499903 (VCV000499903.6), dbSNP rs368372715, ClinGen allele CA7719309.